The following is an entry in ClinVar:

NM_033026.6(PCLO):c.1876A>T (p.Asn626Tyr)

Gene: PCLO (piccolo presynaptic cytomatrix protein; minus strand). Cytogenetic location: 7q21.11.
Variant type: single nucleotide variant.
Coding change: c.1876A>T on transcript NM_033026.6 (MANE Select); coding-DNA position 1876, A replaced by T.
Protein change: p.Asn626Tyr; replaces asparagine 626 with tyrosine.
Molecular consequence: missense variant.
Genome position (GRCh38, 1-based): chr7:83,154,765, T>A on the plus strand (A>T on the coding strand, the complement: PCLO is on the minus strand). VCF-style: chr7-83154765-T-A. GRCh37 (hg19) VCF-style: chr7-82784081-T-A.
Other names: c.1876A>T, p.Asn626Tyr (NM_014510.3); short protein forms N626Y.
Identifiers: ClinVar variation 1493386 (VCV001493386.6), dbSNP rs752869678, ClinGen allele CA4321375.

ClinVar aggregate classification (germline): Uncertain significance (1 of 4 stars; one submission).

Allele frequency attached by ClinVar (database versions not stated): gnomAD exomes below 0.00001 and 0.00002; ExAC 0.00001.
gnomAD v4.1: 37 of 1,613,608 alleles (0.0023%); highest among the groups gnomAD compares: Non-Finnish European, 0.0029%; no homozygotes.

Submission:

Labcorp Genetics (formerly Invitae), Labcorp
Classification: Uncertain significance. Last evaluated: 2021-11-18. Review status: criteria provided, single submitter. Criteria: Invitae Variant Classification Sherloc (09022015). Collection method: clinical testing. Allele origin: germline.
Comment: This variant has not been reported in the literature in individuals affected with PCLO-related conditions. In summary, the available evidence is currently insufficient to determine the role of this variant in disease. Therefore, it has been classified as a Variant of Uncertain Significance. Algorithms developed to predict the effect of missense changes on protein structure and function are either unavailable or do not agree on the potential impact of this missense change (SIFT: "Tolerated"; PolyPhen-2: "Not Available"; Align-GVGD: "Class C0"). This variant is present in population databases (rs752869678, gnomAD 0.0009%). This sequence change replaces asparagine, which is neutral and polar, with tyrosine, which is neutral and polar, at codon 626 of the PCLO protein (p.Asn626Tyr).